The following is an entry in ClinVar:

NM_004628.5(XPC):c.2238C>T (p.Ala746=)

Gene: XPC (XPC complex subunit, DNA damage recognition and repair factor; minus strand). Cytogenetic location: 3p25.1.
Variant type: single nucleotide variant.
Coding change: c.2238C>T on transcript NM_004628.5 (MANE Select); coding-DNA position 2238, C replaced by T.
Protein change: p.Ala746=; no amino-acid change (alanine 746 retained).
Molecular consequence: synonymous variant. On other transcripts: non-coding transcript variant (2).
Genome position (GRCh38, 1-based): chr3:14,148,826, G>A on the plus strand (C>T on the coding strand, the complement: XPC is on the minus strand). VCF-style: chr3-14148826-G-A. GRCh37 (hg19) VCF-style: chr3-14190326-G-A.
Other names: c.1659C>T, p.Ala553= (NM_001354726.2); c.2232C>T, p.Ala744= (NM_001354727.2); c.2220C>T, p.Ala740= (NM_001354729.2); c.1992C>T, p.Ala664= (NM_001354730.2).
Identifiers: ClinVar variation 731076 (VCV000731076.34), dbSNP rs375170067, ClinGen allele CA2267228.

ClinVar aggregate classification (germline): Conflicting classifications of pathogenicity. Review status: criteria provided, conflicting classifications (1 of 4 stars). 4 submissions from 4 submitters: Uncertain significance (1); Likely benign (3). Last evaluated 2026-01-20.

Conditions:
Xeroderma pigmentosum, group C (XPC). Also called: XP, GROUP C; XERODERMA PIGMENTOSUM III; Xeroderma pigmentosum, complementation group C; XPC-Related Xeroderma Pigmentosum. Identifiers: Orphanet 910, MedGen C2752147, MONDO:0010211, OMIM 278720.
Xeroderma pigmentosum (XP). Identifiers: Orphanet 910, MedGen C0043346, MONDO:0019600.

Allele frequency attached by ClinVar (database versions not stated): TOPMed 0.00008; gnomAD 0.00009 and 0.00013; ExAC 0.00012; gnomAD exomes 0.00014 and 0.00019; 1000 Genomes Project 30x 0.00016; ESP Exome Variant Server 0.00016; 1000 Genomes Project 0.00020.
gnomAD v4.1: 294 of 1,613,982 alleles (0.018%); highest among the groups gnomAD compares: South Asian, 0.1%; no homozygotes.

Submissions (4):

Labcorp Genetics (formerly Invitae), Labcorp
Classification: Likely benign. Last evaluated: 2026-01-20. Review status: criteria provided, single submitter. Criteria: Invitae Variant Classification Sherloc (09022015). Collection method: clinical testing. Allele origin: germline.

CeGaT Center for Human Genetics Tuebingen
Classification: Likely benign. Last evaluated: 2024-05-01. Review status: criteria provided, single submitter. Criteria: CeGaT Center For Human Genetics Tuebingen Variant Classification Criteria Version 2. Collection method: clinical testing. Allele origin: germline. Affected: yes. Observed: 1 variant allele.
Comment: XPC: BP4, BP7

Sema4
Classification: Likely benign for Xeroderma pigmentosum. Last evaluated: 2021-07-12. Review status: criteria provided, single submitter. Criteria: Sema4 Curation Guidelines. Collection method: curation. Allele origin: germline.

Illumina Laboratory Services, Illumina
Classification: Uncertain significance for Xeroderma pigmentosum, group C. Last evaluated: 2018-01-13. Review status: criteria provided, single submitter. Criteria: ICSL Variant Classification Criteria 13 December 2019. Collection method: clinical testing. Allele origin: germline.